The following is an entry in ClinVar:

ClinVar aggregate classification (germline): Uncertain significance (1 of 4 stars; one submission).

Submission:

GeneDx
Classification: Uncertain significance. Last evaluated: 2026-09-14. Review status: criteria provided, single submitter. Criteria: GeneDx Variant Classification Process June 2021. Collection method: clinical testing. Allele origin: germline.
Comment: Not observed at significant frequency in large population cohorts (gnomAD); In silico analysis supports that this missense variant does not alter protein structure/function; Has not been previously published as pathogenic or benign to our knowledge

NM_004789.4(LHX2):c.1150T>A (p.Ser384Thr)

Gene: LHX2 (LIM homeobox 2; plus strand). Cytogenetic location: 9q33.3.
Variant type: single nucleotide variant.
Coding change: c.1150T>A on transcript NM_004789.4 (MANE Select); coding-DNA position 1150, T replaced by A.
Protein change: p.Ser384Thr; replaces serine 384 with threonine.
Molecular consequence: missense variant.
Genome position (GRCh38, 1-based): chr9:124,032,636, T>A. VCF-style: chr9-124032636-T-A. GRCh37 (hg19) VCF-style: chr9-126794915-T-A.
Other names: short protein forms S384T.
Identifiers: ClinVar variation 3343455 (VCV003343455.2).